The following is an entry in ClinVar:

NM_000132.4(F8):c.5398C>G (p.Arg1800Gly)

Gene: F8 (coagulation factor VIII; minus strand). Cytogenetic location: Xq28.
Variant type: single nucleotide variant.
Coding change: c.5398C>G on transcript NM_000132.4 (MANE Select); coding-DNA position 5398, C replaced by G.
Protein change: p.Arg1800Gly; replaces arginine 1800 with glycine.
Molecular consequence: missense variant.
Genome position (GRCh38, 1-based): chrX:154,904,999, G>C on the plus strand (C>G on the coding strand, the complement: F8 is on the minus strand). VCF-style: chrX-154904999-G-C. GRCh37 (hg19) VCF-style: chrX-154133274-G-C.
Other names: F8, ARG1781GLY; R1781G; short protein forms R1800G.
Identifiers: ClinVar variation 10276 (VCV000010276.3), dbSNP rs137852443, ClinGen allele CA255164.

ClinVar aggregate classification (germline): Pathogenic/Likely pathogenic. Review status: criteria provided, multiple submitters, no conflicts (2 of 4 stars). 3 submissions from 3 submitters: Pathogenic (1); Likely pathogenic (1). 1 of the submissions does not count toward it. Last evaluated 2026-06-27.

Conditions:
Hereditary factor VIII deficiency disease (HEMA). Also called: AUTOSOMAL HEMOPHILIA A; Hemophilia A, congenital; HEM A; Factor 8 deficiency, congenital; Hemophilia A; HEMOPHILIA, CLASSIC. Identifiers: Orphanet 98878, MedGen C0019069, MONDO:0010602, OMIM 306700.

Allele frequency attached by ClinVar (database versions not stated): gnomAD 0.00001; TOPMed 0.00002.
gnomAD v4.1: 1 of 1,201,469 alleles (0.000083%); highest among the groups gnomAD compares: Non-Finnish European, 0.00011%; no homozygotes.

Submissions (3):

Myriad Genetics, Inc.
Classification: Likely pathogenic for Hereditary factor VIII deficiency disease. Last evaluated: 2026-06-27. Review status: criteria provided, single submitter. Criteria: Myriad Autosomal Dominant, Autosomal Recessive and X-Linked Classification Criteria (2023). Collection method: clinical testing. Allele origin: unknown.
Comment: NM_000132.3(F8):c.5398C>G(R1800G) is a missense variant classified as likely pathogenic in the context of hemophilia A. R1800G has been observed in cases with relevant disease (PMID: 8547094, 29296726, 23926300). Relevant functional assessments of this variant are not available in the literature. R1800G has not been observed in referenced population frequency databases. In summary, NM_000132.3(F8):c.5398C>G(R1800G) is a missense variant that has been observed more frequently in cases with the relevant disease than in healthy populations. Please note: this variant was assessed in the context of healthy population screening.

Women's Health and Genetics/Laboratory Corporation of America, LabCorp
Classification: Pathogenic for Hereditary factor VIII deficiency disease. Last evaluated: 2024-05-03. Review status: criteria provided, single submitter. Criteria: LabCorp Variant Classification Summary - May 2015. Collection method: clinical testing. Allele origin: germline.
Comment: Variant summary: F8 c.5398C>G (p.Arg1800Gly) results in a non-conservative amino acid change in the encoded protein sequence. Five of five in-silico tools predict a damaging effect of the variant on protein function. The variant was absent in 181798 control chromosomes. c.5398C>G has been reported in the literature in at-least four individuals affected with Factor VIII Deficiency (Hemophilia A) (example, Eckhardt_2013). These data indicate that the variant is likely to be associated with disease. To our knowledge, no experimental evidence demonstrating an impact on protein function has been reported. Additionally, at least one variant at the Arg1800 residue has been reported as associated with disease (p.Arg1800His, PATH/ClinVar), suggesting that this codon is functionally important. The following publication have been ascertained in the context of this evaluation (PMID: 23926300). ClinVar contains an entry for this variant (Variation ID: 10276). Based on the evidence outlined above, the variant was classified as pathogenic.

OMIM
Classification: Pathogenic for HEMOPHILIA A. Last evaluated: 1995-01-01. Review status: no assertion criteria provided. Collection method: literature only. Allele origin: germline. Not counted in ClinVar's aggregate classification.

Literature cited by the submitters: PubMed 23926300 (cited by Myriad Genetics, Inc. and Women's Health and Genetics/Laboratory Corporation of America, LabCorp); PubMed 29296726 (cited by Myriad Genetics, Inc.); PubMed 8547094 (cited by Myriad Genetics, Inc.); PubMed 7728145 (cited by OMIM).